The following is an entry in ClinVar:

NM_015909.4(NBAS):c.1372C>T (p.Arg458Cys)

Gene: NBAS (NBAS subunit of NRZ tethering complex; minus strand). Cytogenetic location: 2p24.3.
Variant type: single nucleotide variant.
Coding change: c.1372C>T on transcript NM_015909.4 (MANE Select); coding-DNA position 1372, C replaced by T.
Protein change: p.Arg458Cys; replaces arginine 458 with cysteine.
Molecular consequence: missense variant. On other transcripts: non-coding transcript variant (1).
Genome position (GRCh38, 1-based): chr2:15,474,294, G>A on the plus strand (C>T on the coding strand, the complement: NBAS is on the minus strand). VCF-style: chr2-15474294-G-A. GRCh37 (hg19) VCF-style: chr2-15614418-G-A.
Other names: short protein forms R458C.
Identifiers: ClinVar variation 1379974 (VCV001379974.3), dbSNP rs775941838, ClinGen allele CA1536691.

ClinVar aggregate classification (germline): Uncertain significance (1 of 4 stars; one submission).

Allele frequency attached by ClinVar (database versions not stated): gnomAD exomes 0.00001 and 0.00002; ExAC 0.00002; gnomAD 0.00003; TOPMed 0.00003.
gnomAD v4.1: 39 of 1,613,486 alleles (0.0024%); highest among the groups gnomAD compares: Non-Finnish European, 0.003%; no homozygotes.

Submission:

Labcorp Genetics (formerly Invitae), Labcorp
Classification: Uncertain significance. Last evaluated: 2022-07-12. Review status: criteria provided, single submitter. Criteria: Invitae Variant Classification Sherloc (09022015). Collection method: clinical testing. Allele origin: germline.
Comment: This sequence change replaces arginine, which is basic and polar, with cysteine, which is neutral and slightly polar, at codon 458 of the NBAS protein (p.Arg458Cys). This variant is present in population databases (rs775941838, gnomAD 0.003%). This variant has not been reported in the literature in individuals affected with NBAS-related conditions. ClinVar contains an entry for this variant (Variation ID: 1379974). Algorithms developed to predict the effect of missense changes on protein structure and function (SIFT, PolyPhen-2, Align-GVGD) all suggest that this variant is likely to be disruptive. In summary, the available evidence is currently insufficient to determine the role of this variant in disease. Therefore, it has been classified as a Variant of Uncertain Significance.